The following is an entry in ClinVar:

NM_001283009.2(RTEL1):c.241T>C (p.Phe81Leu)

Genes: RTEL1 (regulator of telomere elongation helicase 1; plus strand), RTEL1-TNFRSF6B (RTEL1-TNFRSF6B readthrough (NMD candidate); plus strand). Cytogenetic location: 20q13.33.
Variant type: single nucleotide variant.
Coding change: c.241T>C on transcript NM_001283009.2 (MANE Select); coding-DNA position 241, T replaced by C.
Protein change: p.Phe81Leu; replaces phenylalanine 81 with leucine.
Molecular consequence: missense variant. On other transcripts: non-coding transcript variant (1), 5 prime UTR variant (1).
Genome position (GRCh38, 1-based): chr20:63,661,436, T>C. VCF-style: chr20-63661436-T-C. GRCh37 (hg19) VCF-style: chr20-62292789-T-C.
Other names: c.-429T>C (NM_001283010.1); c.241T>C, p.Phe81Leu (NM_016434.4, NM_032957.5); short protein forms F81L.
Identifiers: ClinVar variation 5028516 (VCV005028516.1).

ClinVar aggregate classification (germline): Uncertain significance (1 of 4 stars; one submission).

Conditions:
Inborn genetic diseases. Identifiers: MedGen C0950123, MeSH D030342.

Submission:

Ambry Genetics
Classification: Uncertain significance for Inborn genetic diseases. Last evaluated: 2026-08-18. Review status: criteria provided, single submitter. Criteria: Ambry Variant Classification Scheme 2023. Collection method: clinical testing. Allele origin: germline.
Comment: The p.F81L variant (also known as c.241T>C), located in coding exon 2 of the RTEL1 gene, results from a T to C substitution at nucleotide position 241. The phenylalanine at codon 81 is replaced by leucine, an amino acid with highly similar properties. This amino acid position is conserved. In addition, this alteration is predicted to be tolerated by in silico analysis. Based on the available evidence, the clinical significance of this variant remains unclear.